The following is an entry in ClinVar:

NM_000744.7(CHRNA4):c.77C>G (p.Ala26Gly)

Gene: CHRNA4 (cholinergic receptor nicotinic alpha 4 subunit; minus strand). Cytogenetic location: 20q13.33.
Variant type: single nucleotide variant.
Coding change: c.77C>G on transcript NM_000744.7 (MANE Select); coding-DNA position 77, C replaced by G.
Protein change: p.Ala26Gly; replaces alanine 26 with glycine.
Molecular consequence: missense variant. On other transcripts: 5 prime UTR variant (1), non-coding transcript variant (1).
Genome position (GRCh38, 1-based): chr20:63,359,699, G>C on the plus strand (C>G on the coding strand, the complement: CHRNA4 is on the minus strand). VCF-style: chr20-63359699-G-C. GRCh37 (hg19) VCF-style: chr20-61991051-G-C.
Other names: c.-470C>G (NM_001256573.2); c.77C>G (NM_000744.5); short protein forms A26G.
Identifiers: ClinVar variation 3714628 (VCV003714628.3).
Genomic context (GRCh38, chr20:63,359,699, plus strand): 5'-GAGAAGAGTTTCTTCAGGAGCCGCTCCTCGGCGTGGGCCCGGGTCTCCACATGGCTGCTG[G>C]CTGCGGGGAGAGGCAGGCCAGTGGCTCAGGTGCAGGCGGGACAGGAGCCGGGAGCTGTCC-3'
Protein context (NP_000735.1, residues 16-36): LLLLGTGLLR[Ala26Gly]SSHVETRAHA

ClinVar aggregate classification (germline): Conflicting classifications of pathogenicity. Review status: criteria provided, conflicting classifications (1 of 4 stars). 2 submissions from 2 submitters: Uncertain significance (1); Likely benign (1). Last evaluated 2025-10-24.

Conditions:
Familial sleep-related hypermotor epilepsy. Also called: Autosomal Dominant Sleep-Related Hypermotor (Hyperkinetic) Epilepsy. Identifiers: Orphanet 98784, MedGen C3696898, MONDO:0000030.
Inborn genetic diseases. Identifiers: MedGen C0950123, MeSH D030342.

Submissions (2):

Ambry Genetics
Classification: Likely benign for Inborn genetic diseases. Last evaluated: 2025-10-24. Review status: criteria provided, single submitter. Criteria: Ambry Variant Classification Scheme 2023. Collection method: clinical testing. Allele origin: germline.

Labcorp Genetics (formerly Invitae), Labcorp
Classification: Uncertain significance. Last evaluated: 2025-07-07. Review status: criteria provided, single submitter. Criteria: Invitae Variant Classification Sherloc (09022015). Collection method: clinical testing. Allele origin: germline.
Comment: This sequence change replaces alanine, which is neutral and non-polar, with glycine, which is neutral and non-polar, at codon 26 of the CHRNA4 protein (p.Ala26Gly). This variant is not present in population databases (gnomAD no frequency). This variant has not been reported in the literature in individuals affected with CHRNA4-related conditions. ClinVar contains an entry for this variant (Variation ID: 3714628). An algorithm developed to predict the effect of missense changes on protein structure and function outputs the following: PolyPhen-2: "Benign". The glycine amino acid residue is found in multiple mammalian species, which suggests that this missense change does not adversely affect protein function. In summary, the available evidence is currently insufficient to determine the role of this variant in disease. Therefore, it has been classified as a Variant of Uncertain Significance.